The following is an entry in ClinVar:

ClinVar aggregate classification (germline): Uncertain significance (1 of 4 stars; one submission).

Conditions:
ACOX2-related disorder. Also called: ACOX2-related condition.

Submission:

PreventionGenetics, part of Exact Sciences
Classification: Uncertain significance for ACOX2-related condition. Last evaluated: 2025-01-17. Review status: criteria provided, single submitter. Criteria: ACMG Guidelines, 2015. Collection method: clinical testing. Allele origin: germline.
Comment: The ACOX2 c.311delG variant is predicted to result in a frameshift and premature protein termination (p.Gly104Alafs*13). To our knowledge, this variant has not been reported in the literature. This variant is reported in 0.011% of alleles in individuals of African descent in gnomAD. Loss-of-function is not a conclusively established mechanism for ACOX2-related disease and only a few protein truncating and splice variants have been reported to date (Human Gene Mutation Database). Although we suspect that this variant may be pathogenic, at this time, the clinical significance of this variant is uncertain due to the absence of conclusive functional and genetic evidence.

NM_003500.4(ACOX2):c.311del (p.Gly104fs)

Gene: ACOX2 (acyl-CoA oxidase 2; minus strand). Cytogenetic location: 3p14.3.
Variant type: Deletion.
Coding change: c.311del on transcript NM_003500.4 (MANE Select); coding-DNA position 311, one base deleted (G; older notation c.311delG).
Protein change: p.Gly104fs; shifts the reading frame from glycine 104.
Molecular consequence: frameshift variant.
Genome position (GRCh38, 1-based): chr3:58,534,372, C deleted on the plus strand (G on the coding strand, the reverse complement: ACOX2 is on the minus strand); the first of 2 consecutive C bases (chr3:58,534,372-58,534,373); deleting either gives the same sequence. VCF-style (leftmost placement, unchanged base first): chr3-58534371-GC-G. GRCh37 (hg19) VCF-style: chr3-58520098-GC-G.
Other names: short protein forms G104fs.
Identifiers: ClinVar variation 4982360 (VCV004982360.1).